The following is an entry in ClinVar:

ClinVar aggregate classification (germline): Uncertain significance (1 of 4 stars; one submission).

Conditions:
Cardiovascular phenotype. Identifiers: MedGen CN230736.

Allele frequency attached by ClinVar (database versions not stated): gnomAD exomes below 0.00001; TOPMed below 0.00001; ExAC 0.00001; gnomAD 0.00001.
gnomAD v4.1: 1 of 1,614,158 alleles (0.000062%); highest among the groups gnomAD compares: Non-Finnish European, 0.000085%; no homozygotes.

Submission:

Ambry Genetics
Classification: Uncertain significance for Cardiovascular phenotype. Last evaluated: 2023-07-20. Review status: criteria provided, single submitter. Criteria: Ambry Variant Classification Scheme 2023. Collection method: clinical testing. Allele origin: germline.
Comment: The p.A867T variant (also known as c.2599G>A), located in coding exon 17 of the APOB gene, results from a G to A substitution at nucleotide position 2599. The alanine at codon 867 is replaced by threonine, an amino acid with similar properties. This amino acid position is conserved. In addition, this alteration is predicted to be tolerated by in silico analysis. Since supporting evidence is limited at this time, the clinical significance of this alteration remains unclear.

NM_000384.3(APOB):c.2599G>A (p.Ala867Thr)

Gene: APOB (apolipoprotein B; minus strand). Cytogenetic location: 2p24.1.
Variant type: single nucleotide variant.
Coding change: c.2599G>A on transcript NM_000384.3 (MANE Select); coding-DNA position 2599, G replaced by A.
Protein change: p.Ala867Thr; replaces alanine 867 with threonine.
Molecular consequence: missense variant.
Genome position (GRCh38, 1-based): chr2:21,023,530, C>T on the plus strand (G>A on the coding strand, the complement: APOB is on the minus strand). VCF-style: chr2-21023530-C-T. GRCh37 (hg19) VCF-style: chr2-21246402-C-T.
Other names: short protein forms A867T.
Identifiers: ClinVar variation 2586182 (VCV002586182.2), dbSNP rs764058064, ClinGen allele CA056711.